The following is an entry in ClinVar:

NM_177438.3(DICER1):c.5013G>T (p.Lys1671Asn)

Gene: DICER1 (dicer 1, ribonuclease III; minus strand). Cytogenetic location: 14q32.13.
Variant type: single nucleotide variant.
Coding change: c.5013G>T on transcript NM_177438.3 (MANE Select); coding-DNA position 5013, G replaced by T.
Protein change: p.Lys1671Asn; replaces lysine 1671 with asparagine.
Molecular consequence: missense variant.
Genome position (GRCh38, 1-based): chr14:95,095,907, C>A on the plus strand (G>T on the coding strand, the complement: DICER1 is on the minus strand). VCF-style: chr14-95095907-C-A. GRCh37 (hg19) VCF-style: chr14-95562244-C-A.
Other names: c.5013G>T, p.Lys1671Asn (NM_001195573.1, NM_001271282.3, NM_001291628.2 and 1 more transcripts); short protein forms K1671N.
Identifiers: ClinVar variation 1361992 (VCV001361992.12), dbSNP rs751819396, ClinGen allele CA390866099.

ClinVar aggregate classification (germline): Uncertain significance. Review status: criteria provided, multiple submitters, no conflicts (2 of 4 stars). 4 submissions from 4 submitters: Uncertain significance (4). Last evaluated 2025-11-16.

Conditions:
Hereditary cancer-predisposing syndrome. Also called: Hereditary Cancer Syndrome; Hereditary neoplastic syndrome; Tumor predisposition; Neoplastic Syndromes, Hereditary. Identifiers: Orphanet 140162, MedGen C0027672, MeSH D009386, MONDO:0015356.
Global developmental delay - lung cysts - overgrowth - Wilms tumor syndrome. Also called: GLOW Syndrome; GLOBAL DEVELOPMENTAL DELAY, LUNG CYSTS, OVERGROWTH, AND WILMS TUMOR. Identifiers: Orphanet 404476, MedGen C4748924, MONDO:0018445, OMIM 618272.
DICER1-related disorder. Also called: DICER1-related condition.
DICER1-related tumor predisposition. Also called: DICER1 syndrome; DICER1-related pleuropulmonary blastoma cancer predisposition syndrome. Identifiers: Orphanet 284343, MedGen C3839822, MONDO:0100216.

Allele frequency attached by ClinVar (database versions not stated): TOPMed 0.00001.
gnomAD v4.1: 1 of 1,613,996 alleles (0.000062%); highest among the groups gnomAD compares: African/African-American, 0.0013%; no homozygotes.

Submissions (4):

Labcorp Genetics (formerly Invitae), Labcorp
Classification: Uncertain significance for DICER1-related tumor predisposition. Last evaluated: 2025-11-16. Review status: criteria provided, single submitter. Criteria: Invitae Variant Classification Sherloc (09022015). Collection method: clinical testing. Allele origin: germline.
Comment: This sequence change replaces lysine, which is basic and polar, with asparagine, which is neutral and polar, at codon 1671 of the DICER1 protein (p.Lys1671Asn). This variant is present in population databases (no rsID available, gnomAD 0.01%). This variant has not been reported in the literature in individuals affected with DICER1-related conditions. ClinVar contains an entry for this variant (Variation ID: 1361992). Invitae Evidence Modeling of protein sequence and biophysical properties (such as structural, functional, and spatial information, amino acid conservation, physicochemical variation, residue mobility, and thermodynamic stability) indicates that this missense variant is not expected to disrupt DICER1 protein function with a negative predictive value of 95%. In summary, the available evidence is currently insufficient to determine the role of this variant in disease. Therefore, it has been classified as a Variant of Uncertain Significance.

Ambry Genetics
Classification: Uncertain significance for Hereditary cancer-predisposing syndrome. Last evaluated: 2025-08-10. Review status: criteria provided, single submitter. Criteria: Ambry Variant Classification Scheme 2023. Collection method: clinical testing. Allele origin: germline.
Comment: The p.K1671N variant (also known as c.5013G>T), located in coding exon 22 of the DICER1 gene, results from a G to T substitution at nucleotide position 5013. The lysine at codon 1671 is replaced by asparagine, an amino acid with similar properties. This amino acid position is not well conserved in available vertebrate species. In addition, this alteration is predicted to be tolerated by in silico analysis. Since supporting evidence is limited at this time, the clinical significance of this alteration remains unclear.

PreventionGenetics, part of Exact Sciences
Classification: Uncertain significance for DICER1-related condition. Last evaluated: 2023-08-05. Review status: criteria provided, single submitter. Criteria: ACMG Guidelines, 2015. Collection method: clinical testing. Allele origin: germline.
Comment: The DICER1 c.5013G>T variant is predicted to result in the amino acid substitution p.Lys1671Asn. To our knowledge, this variant has not been reported in the literature. This variant is reported in 0.011% of alleles in individuals of African descent in gnomAD. At this time, the clinical significance of this variant is uncertain due to the absence of conclusive functional and genetic evidence.

Baylor Genetics
Classification: Uncertain significance for Global developmental delay - lung cysts - overgrowth - Wilms tumor syndrome. Last evaluated: 2023-05-14. Review status: criteria provided, single submitter. Criteria: ACMG Guidelines, 2015. Collection method: clinical testing. Allele origin: unknown.